The following is an entry in ClinVar:

NM_005765.3(ATP6AP2):c.535-11dup

Gene: ATP6AP2 (ATPase H+ transporting accessory protein 2; plus strand). Cytogenetic location: Xp11.4.
Variant type: Duplication.
Coding change: c.535-11dup on transcript NM_005765.3 (MANE Select); 11 bases into the intron before coding-DNA position 535, one base duplicated (G; older notation c.535-11dupG).
Molecular consequence: intron variant.
Genome position (GRCh38, 1-based): chrX:40,598,670, G duplicated; the last of 3 consecutive G bases (chrX:40,598,668-40,598,670); duplicating any one gives the same sequence. VCF-style (leftmost placement, unchanged base first): chrX-40598667-T-TG. GRCh37 (hg19) VCF-style: chrX-40457919-T-TG.
Identifiers: ClinVar variation 3366144 (VCV003366144.1).

ClinVar aggregate classification (germline): Uncertain significance (1 of 4 stars; one submission).

Submission:

GeneDx
Classification: Uncertain significance. Last evaluated: 2023-10-20. Review status: criteria provided, single submitter. Criteria: GeneDx Variant Classification Process June 2021. Collection method: clinical testing. Allele origin: germline. Affected: yes.
Comment: Not observed at significant frequency in large population cohorts (gnomAD); In silico analysis is inconclusive as to whether the variant alters gene splicing. In the absence of RNA/functional studies, the actual effect of this sequence change is unknown.; Has not been previously published as pathogenic or benign to our knowledge